The following is an entry in ClinVar:

ClinVar aggregate classification (germline): Pathogenic (1 of 4 stars; one submission).

Conditions:
Peroxisome biogenesis disorder 3A (Zellweger). Also called: PEROXISOMAL BIOGENESIS DISORDER 3A (ZELLWEGER); Peroxisome biogenesis disorder 3A. Identifiers: Orphanet 912, MedGen C3553929, MONDO:0013927, OMIM 614859.

Submission:

Labcorp Genetics (formerly Invitae), Labcorp
Classification: Pathogenic for Peroxisome biogenesis disorder 3A (Zellweger). Last evaluated: 2024-08-28. Review status: criteria provided, single submitter. Criteria: Invitae Variant Classification Sherloc (09022015). Collection method: clinical testing. Allele origin: germline.
Comment: This sequence change creates a premature translational stop signal (p.Gly88Thrfs*3) in the PEX12 gene. It is expected to result in an absent or disrupted protein product. Loss-of-function variants in PEX12 are known to be pathogenic (PMID: 9090384, 9632816, 21031596). This variant is not present in population databases (gnomAD no frequency). This variant has not been reported in the literature in individuals affected with PEX12-related conditions. For these reasons, this variant has been classified as Pathogenic.

Literature cited by the submitters: PubMed 9090384; PubMed 9632816; PubMed 21031596.

NM_000286.3(PEX12):c.259_260dup (p.Gly88fs)

Gene: PEX12 (peroxisomal biogenesis factor 12; minus strand). Cytogenetic location: 17q12.
Variant type: Duplication.
Coding change: c.259_260dup on transcript NM_000286.3 (MANE Select); coding-DNA positions 259 to 260, 2 bases duplicated (TA; older notation c.259_260dupTA).
Protein change: p.Gly88fs; shifts the reading frame from glycine 88.
Molecular consequence: frameshift variant.
Genome position (GRCh38, 1-based): chr17:35,577,458-35,577,459, TA duplicated on the plus strand (TA on the coding strand, the reverse complement: PEX12 is on the minus strand). VCF-style (leftmost placement, unchanged base first): chr17-35577457-G-GTA. GRCh37 (hg19) VCF-style: chr17-33904476-G-GTA.
Other names: short protein forms G88fs.
Identifiers: ClinVar variation 3663786 (VCV003663786.2).